The following is an entry in ClinVar:

NM_001875.5(CPS1):c.293A>G (p.Asn98Ser)

Gene: CPS1 (carbamoyl-phosphate synthase 1; plus strand). Cytogenetic location: 2q34.
Variant type: single nucleotide variant.
Coding change: c.293A>G on transcript NM_001875.5 (MANE Select); coding-DNA position 293, A replaced by G.
Protein change: p.Asn98Ser; replaces asparagine 98 with serine.
Molecular consequence: missense variant. On other transcripts: non-coding transcript variant (1).
Genome position (GRCh38, 1-based): chr2:210,576,402, A>G. VCF-style: chr2-210576402-A-G. GRCh37 (hg19) VCF-style: chr2-211441126-A-G.
Other names: c.293A>G, p.Asn98Ser (NM_001122633.3, NM_001369257.1); c.326A>G, p.Asn109Ser (NM_001369256.1); short protein forms N109S, N98S.
Identifiers: ClinVar variation 3347534 (VCV003347534.1).
Genomic context (GRCh38, chr2:210,576,402, plus strand): 5'-CCAGGTACCCAGAAGCTATTACTGACCCTGCCTACAAAGGACAGATTCTCACAATGGCCA[A>G]CCCTATTATTGGGAATGGTGGAGCTCCTGATACTACTGCTCTGGATGAACTGGGACTTAG-3'
Protein context (NP_001866.2, residues 88-108): AYKGQILTMA[Asn98Ser]PIIGNGGAPD

ClinVar aggregate classification (germline): Uncertain significance (0 of 4 stars; one submission).

Conditions:
CPS1-related disorder. Also called: CPS1-related condition.

Submission:

PreventionGenetics, part of Exact Sciences
Classification: Uncertain significance for CPS1-related condition. Last evaluated: 2024-06-26. Review status: no assertion criteria provided. Collection method: clinical testing. Allele origin: germline.
Comment: The CPS1 c.293A>G variant is predicted to result in the amino acid substitution p.Asn98Ser. To our knowledge, this variant has not been reported in the literature or in a large population database, indicating this variant is rare. At this time, the clinical significance of this variant is uncertain due to the absence of conclusive functional and genetic evidence.